The following is an entry in ClinVar:

ClinVar aggregate classification (germline): Uncertain significance. Review status: criteria provided, multiple submitters, no conflicts (2 of 4 stars). 2 submissions from 2 submitters: Uncertain significance (2). Last evaluated 2024-03-09.

Conditions:
Cardiovascular phenotype. Identifiers: MedGen CN230736.

Submissions (2):

Ambry Genetics
Classification: Uncertain significance for Cardiovascular phenotype. Last evaluated: 2024-03-09. Review status: criteria provided, single submitter. Criteria: Ambry Variant Classification Scheme 2023. Collection method: clinical testing. Allele origin: germline.
Comment: The p.L129P variant (also known as c.386T>C), located in coding exon 3 of the APOA5 gene, results from a T to C substitution at nucleotide position 386. The leucine at codon 129 is replaced by proline, an amino acid with similar properties. This amino acid position is conserved. In addition, this alteration is predicted to be deleterious by in silico analysis. Based on the available evidence, the clinical significance of this alteration remains unclear.

Labcorp Genetics (formerly Invitae), Labcorp
Classification: Uncertain significance. Last evaluated: 2022-05-14. Review status: criteria provided, single submitter. Criteria: Invitae Variant Classification Sherloc (09022015). Collection method: clinical testing. Allele origin: germline.
Comment: In summary, the available evidence is currently insufficient to determine the role of this variant in disease. Therefore, it has been classified as a Variant of Uncertain Significance. Algorithms developed to predict the effect of missense changes on protein structure and function (SIFT, PolyPhen-2, Align-GVGD) all suggest that this variant is likely to be disruptive. This variant has not been reported in the literature in individuals affected with APOA5-related conditions. This variant is not present in population databases (gnomAD no frequency). This sequence change replaces leucine, which is neutral and non-polar, with proline, which is neutral and non-polar, at codon 129 of the APOA5 protein (p.Leu129Pro).

NM_001371904.1(APOA5):c.386T>C (p.Leu129Pro)

Gene: APOA5 (apolipoprotein A5; minus strand). Cytogenetic location: 11q23.3.
Variant type: single nucleotide variant.
Coding change: c.386T>C on transcript NM_001371904.1 (MANE Select); coding-DNA position 386, T replaced by C.
Protein change: p.Leu129Pro; replaces leucine 129 with proline.
Molecular consequence: missense variant.
Genome position (GRCh38, 1-based): chr11:116,790,843, A>G on the plus strand (T>C on the coding strand, the complement: APOA5 is on the minus strand). VCF-style: chr11-116790843-A-G. GRCh37 (hg19) VCF-style: chr11-116661559-A-G.
Other names: c.386T>C (NM_052968.4); c.386T>C, p.Leu129Pro (NM_001166598.2, NM_052968.5); short protein forms L129P.
Identifiers: ClinVar variation 1994276 (VCV001994276.5), dbSNP rs2540244783, ClinGen allele CA382738628.